The following is an entry in ClinVar:

ClinVar aggregate classification (germline): Conflicting classifications of pathogenicity. Review status: criteria provided, conflicting classifications (1 of 4 stars). 2 submissions from 2 submitters: Uncertain significance (1); Likely benign (1). Last evaluated 2024-05-15.

Conditions:
Cardiovascular phenotype. Identifiers: MedGen CN230736.
Primary dilated cardiomyopathy (DCM). Also called: Dilated Cardiomyopathy. Identifiers: Orphanet 217604, MedGen C0007193, MeSH D002311, MONDO:0005021, HP:0001644. Inheritance: Various modes of inheritance.

Allele frequency attached by ClinVar (database versions not stated): ExAC 0.00001; gnomAD 0.00001; gnomAD exomes 0.00001; TOPMed 0.00001.
gnomAD v4.1: 25 of 1,613,560 alleles (0.0015%); highest among the groups gnomAD compares: Middle Eastern, 0.016%; no homozygotes.

Submissions (2):

Labcorp Genetics (formerly Invitae), Labcorp
Classification: Uncertain significance for Primary dilated cardiomyopathy. Last evaluated: 2024-05-15. Review status: criteria provided, single submitter. Criteria: Invitae Variant Classification Sherloc (09022015). Collection method: clinical testing. Allele origin: germline.
Comment: This sequence change affects codon 197 of the TXNRD2 mRNA. It is a 'silent' change, meaning that it does not change the encoded amino acid sequence of the TXNRD2 protein. It affects a nucleotide within the consensus splice site. This variant is present in population databases (rs543644944, gnomAD 0.007%). This variant has not been reported in the literature in individuals affected with TXNRD2-related conditions. ClinVar contains an entry for this variant (Variation ID: 1427357). Algorithms developed to predict the effect of sequence changes on RNA splicing suggest that this variant is not likely to affect RNA splicing. In summary, the available evidence is currently insufficient to determine the role of this variant in disease. Therefore, it has been classified as a Variant of Uncertain Significance.

Ambry Genetics
Classification: Likely benign for Cardiovascular phenotype. Last evaluated: 2023-06-12. Review status: criteria provided, single submitter. Criteria: Ambry Variant Classification Scheme 2023. Collection method: clinical testing. Allele origin: germline.

NM_006440.5(TXNRD2):c.591C>T (p.His197=)

Gene: TXNRD2 (thioredoxin reductase 2; minus strand). Cytogenetic location: 22q11.21.
Variant type: single nucleotide variant.
Coding change: c.591C>T on transcript NM_006440.5 (MANE Select); coding-DNA position 591, C replaced by T.
Protein change: p.His197=; no amino-acid change (histidine 197 retained).
Molecular consequence: synonymous variant. On other transcripts: non-coding transcript variant (1).
Genome position (GRCh38, 1-based): chr22:19,915,214, G>A on the plus strand (C>T on the coding strand, the complement: TXNRD2 is on the minus strand). VCF-style: chr22-19915214-G-A. GRCh37 (hg19) VCF-style: chr22-19902737-G-A.
Other names: c.591C>T, p.His197= (NM_001282512.3); c.588C>T, p.His196= (NM_001352300.2); c.501C>T, p.His167= (NM_001352301.2); c.303C>T, p.His101= (NM_001352302.2); c.495C>T, p.His165= (NM_001352303.2); c.591C>T (NM_006440.3).
Identifiers: ClinVar variation 1427357 (VCV001427357.10), dbSNP rs543644944, ClinGen allele CA10104119.